The following is an entry in ClinVar:

NM_001388492.1(HTT):c.2085del (p.Gly697fs)

Gene: HTT (huntingtin; plus strand). Cytogenetic location: 4p16.3.
Variant type: Deletion.
Coding change: c.2085del on transcript NM_001388492.1 (MANE Select); coding-DNA position 2085, one base deleted (A; older notation c.2085delA).
Protein change: p.Gly697fs; shifts the reading frame from glycine 697.
Molecular consequence: frameshift variant.
Genome position (GRCh38, 1-based): chr4:3,131,384, A deleted. VCF-style (leftmost placement, unchanged base first): chr4-3131383-CA-C. GRCh37 (hg19) VCF-style: chr4-3133110-CA-C.
Other names: c.2091del, p.Gly699fs (NM_002111.8); short protein forms G699fs, G697fs.
Identifiers: ClinVar variation 1464611 (VCV001464611.6), dbSNP rs745583559, ClinGen allele CA2823726.
Genomic context (GRCh38, chr4:3,131,383, plus strand): 5'-ATGATGACTCTGCACCTCTTGTCCATTGTGTCCGCCTTTTATCTGCTTCGTTTTTGCTAA[CA>C]GGGGGAAAAAATGGTGAGTACAAAAGGGGATGTGCACAGTTGAAGGAAATAACTAGGTTT-3'

ClinVar aggregate classification (germline): Pathogenic (1 of 4 stars; one submission).

Allele frequency attached by ClinVar (database versions not stated): gnomAD exomes below 0.00001; ExAC 0.00001.

Submission:

Labcorp Genetics (formerly Invitae), Labcorp
Classification: Pathogenic. Last evaluated: 2022-09-19. Review status: criteria provided, single submitter. Criteria: Invitae Variant Classification Sherloc (09022015). Collection method: clinical testing. Allele origin: germline.
Comment: For these reasons, this variant has been classified as Pathogenic. This sequence change creates a premature translational stop signal (p.Gly699Glufs*11) in the HTT gene. It is expected to result in an absent or disrupted protein product. Loss-of-function variants in HTT are known to be pathogenic (PMID: 7550343, 7618107, 7774020, 27329733). This variant is present in population databases (rs745583559, gnomAD 0.0009%). This variant has not been reported in the literature in individuals affected with HTT-related conditions. ClinVar contains an entry for this variant (Variation ID: 1464611).

Literature cited by the submitters: PubMed 7550343; PubMed 7618107; PubMed 7774020; PubMed 27329733.